The following is an entry in ClinVar:

NM_001267550.2(TTN):c.104216C>G (p.Ala34739Gly)

Genes: TTN (titin; minus strand), TTN-AS1 (TTN antisense RNA 1; plus strand). Cytogenetic location: 2q31.2.
Variant type: single nucleotide variant.
Coding change: c.104216C>G on transcript NM_001267550.2 (MANE Select); coding-DNA position 104216, C replaced by G.
Protein change: p.Ala34739Gly; replaces alanine 34739 with glycine.
Molecular consequence: missense variant.
Genome position (GRCh38, 1-based): chr2:178,532,399, G>C on the plus strand (C>G on the coding strand, the complement: TTN is on the minus strand). VCF-style: chr2-178532399-G-C. GRCh37 (hg19) VCF-style: chr2-179397126-G-C.
Other names: c.77021C>G, p.Ala25674Gly (NM_003319.4); c.96512C>G, p.Ala32171Gly (NM_133378.4); c.77396C>G, p.Ala25799Gly (NM_133432.3); c.77597C>G, p.Ala25866Gly (NM_133437.4); c.99293C>G, p.Ala33098Gly (NM_001256850.1); short protein forms A25799G, A32171G, A34739G, A25674G, A25866G, A33098G.
Identifiers: ClinVar variation 2934990 (VCV002934990.2), dbSNP rs766514779, ClinGen allele CA1985460.

ClinVar aggregate classification (germline): Uncertain significance (1 of 4 stars; one submission).

Conditions:
Dilated cardiomyopathy 1G (CMD1G). Identifiers: Orphanet 154, MedGen C1858763, MONDO:0011400, OMIM 604145.
Autosomal recessive limb-girdle muscular dystrophy type 2J (LGMDR10). Also called: Limb-girdle muscular dystrophy, type 2J; MUSCULAR DYSTROPHY, LIMB-GIRDLE, AUTOSOMAL RECESSIVE 10. Identifiers: Orphanet 140922, MedGen C1837342, MONDO:0012127, OMIM 608807.

Allele frequency attached by ClinVar (database versions not stated): ExAC 0.00001; gnomAD exomes 0.00001.
gnomAD v4.1: 6 of 1,613,934 alleles (0.00037%); highest among the groups gnomAD compares: Non-Finnish European, 0.00042%; no homozygotes.

Submission:

Labcorp Genetics (formerly Invitae), Labcorp
Classification: Uncertain significance for Dilated cardiomyopathy 1G; Autosomal recessive limb-girdle muscular dystrophy type 2J. Last evaluated: 2024-02-15. Review status: criteria provided, single submitter. Criteria: Invitae Variant Classification Sherloc (09022015). Collection method: clinical testing. Allele origin: germline.
Comment: This sequence change replaces alanine, which is neutral and non-polar, with glycine, which is neutral and non-polar, at codon 34739 of the TTN protein (p.Ala34739Gly). This variant is present in population databases (rs766514779, gnomAD 0.0009%). This variant has not been reported in the literature in individuals affected with TTN-related conditions. Experimental studies and prediction algorithms are not available or were not evaluated, and the functional significance of this variant is currently unknown. This variant is located in the M band of TTN (PMID: 25589632). Non-truncating variants in this region may be relevant for neuromuscular disorders, but have not been definitively shown to cause cardiomyopathy (PMID: 23975875). In summary, the available evidence is currently insufficient to determine the role of this variant in disease. Therefore, it has been classified as a Variant of Uncertain Significance.

Literature cited by the submitters: PubMed 25589632; PubMed 23975875.